The following is an entry in ClinVar:

NM_000038.6(APC):c.3097G>C (p.Asp1033His)

Gene: APC (APC regulator of Wnt signaling pathway; plus strand). Cytogenetic location: 5q22.2.
Variant type: single nucleotide variant.
Coding change: c.3097G>C on transcript NM_000038.6 (MANE Select); coding-DNA position 3097, G replaced by C.
Protein change: p.Asp1033His; replaces aspartic acid 1033 with histidine.
Molecular consequence: missense variant.
Genome position (GRCh38, 1-based): chr5:112,838,691, G>C. VCF-style: chr5-112838691-G-C. GRCh37 (hg19) VCF-style: chr5-112174388-G-C.
Other names: c.3097G>C, p.Asp1033His (NM_001127510.3, NM_001354895.2, NM_001407450.1); c.3043G>C, p.Asp1015His (NM_001127511.3); c.3151G>C, p.Asp1051His (NM_001354896.2, NM_001407447.1, NM_001407448.1 and 1 more transcripts); c.3127G>C, p.Asp1043His (NM_001354897.2); c.3022G>C, p.Asp1008His (NM_001354898.2); c.3013G>C, p.Asp1005His (NM_001354899.2); c.2974G>C, p.Asp992His (NM_001354900.2); c.2920G>C, p.Asp974His (NM_001354901.2, NM_001407453.1); and 11 more; short protein forms D1015H, D1033H, D1043H, D942H, D950H, D974H, D992H, D1008H.
Identifiers: ClinVar variation 2061927 (VCV002061927.4), dbSNP rs1554084686, ClinGen allele CA16028116.

ClinVar aggregate classification (germline): Uncertain significance (1 of 4 stars; one submission).

Conditions:
Familial adenomatous polyposis 1 (FAP1). Also called: POLYPOSIS, ADENOMATOUS INTESTINAL; FAMILIAL ADENOMATOUS POLYPOSIS 1, ATTENUATED. Identifiers: MedGen C2713442, MONDO:0021056, OMIM 175100. Disease mechanism: loss of function.

Submission:

Labcorp Genetics (formerly Invitae), Labcorp
Classification: Uncertain significance for Familial adenomatous polyposis 1. Last evaluated: 2022-08-09. Review status: criteria provided, single submitter. Criteria: Invitae Variant Classification Sherloc (09022015). Collection method: clinical testing. Allele origin: germline.
Comment: This variant is not present in population databases (gnomAD no frequency). This variant has not been reported in the literature in individuals affected with APC-related conditions. Algorithms developed to predict the effect of missense changes on protein structure and function are either unavailable or do not agree on the potential impact of this missense change (SIFT: "Tolerated"; PolyPhen-2: "Probably Damaging"; Align-GVGD: "Class C0"). This sequence change replaces aspartic acid, which is acidic and polar, with histidine, which is basic and polar, at codon 1033 of the APC protein (p.Asp1033His). In summary, the available evidence is currently insufficient to determine the role of this variant in disease. Therefore, it has been classified as a Variant of Uncertain Significance.